The following is an entry in ClinVar:

ClinVar aggregate classification (germline): Likely pathogenic (1 of 4 stars; one submission).

Conditions:
Peeling skin-leukonuchia-acral punctate keratoses-cheilitis-knuckle pads syndrome. Also called: Peeling skin with leukonychia, acral punctate keratoses, cheilitis, and knuckle pads. Identifiers: Orphanet 444138, MedGen C4225381, MONDO:0014574, OMIM 616295.

Submission:

Department of Pediatric Genetics, University of Health Sciences, Ankara Bilkent City Children’s Hospital
Classification: Likely pathogenic for Peeling skin-leukonuchia-acral punctate keratoses-cheilitis-knuckle pads syndrome. Last evaluated: 2024-12-01. Review status: criteria provided, single submitter. Criteria: ACMG Guidelines, 2015. Collection method: clinical testing. Allele origin: biparental. Affected: yes.
Comment: The c.1882C>T variant in the CAST gene (NM_001750.7) is a homozygous nonsense change located in exon 25 and has not been previously reported in ClinVar. This variant is predicted to result in loss of function through a truncated or absent protein (PVS1). The allele frequency of this variant is not reported, and it is absent from population databases such as gnomAD (PM2). In addition, dilated cardiomyopathy was identified as a novel clinical feature. In summary, this variant meets the criteria to be classified as likely pathogenic according to the ACMG guidelines (Richards et al., 2015), with supporting evidence from PVS1, PM2, and PP1.

NM_001750.7(CAST):c.1882C>T (p.Gln628Ter)

Genes: CAST (calpastatin; plus strand), ERAP1 (endoplasmic reticulum aminopeptidase 1; minus strand). Cytogenetic location: 5q15.
Variant type: single nucleotide variant.
Coding change: c.1882C>T on transcript NM_001750.7 (MANE Select); coding-DNA position 1882, C replaced by T.
Protein change: p.Gln628Ter; replaces glutamine 628 with a stop codon.
Molecular consequence: nonsense. On other transcripts: 3 prime UTR variant (2), non-coding transcript variant (1).
Genome position (GRCh38, 1-based): chr5:96,762,322, C>T. VCF-style: chr5-96762322-C-T. GRCh37 (hg19) VCF-style: chr5-96098026-C-T.
Other names: c.*878G>A (NM_016442.5, NM_001349244.2); c.1759C>T, p.Gln587Ter (NM_001042440.5, NM_001330627.2); c.1825C>T, p.Gln609Ter (NM_001042441.3); c.1816C>T, p.Gln606Ter (NM_001042442.3); c.1633C>T, p.Gln545Ter (NM_001042443.3, NM_001423250.1); c.1510C>T, p.Gln504Ter (NM_001042444.3, NM_001284212.4); c.1528C>T, p.Gln510Ter (NM_001042445.3, NM_001423255.1, NM_001423256.1 and 3 more transcripts); c.1471C>T, p.Gln491Ter (NM_001042446.3, NM_001330630.2, NM_001423260.1); and 9 more; short protein forms Q473*, Q491*, Q504*, Q510*, Q513*, Q523*, Q526*, Q532*.
Identifiers: ClinVar variation 4076958 (VCV004076958.1).